The following is an entry in ClinVar:

NM_001083116.3(PRF1):c.824A>C (p.Glu275Ala)

Gene: PRF1 (perforin 1; minus strand). Cytogenetic location: 10q22.1.
Variant type: single nucleotide variant.
Coding change: c.824A>C on transcript NM_001083116.3 (MANE Select); coding-DNA position 824, A replaced by C.
Protein change: p.Glu275Ala; replaces glutamic acid 275 with alanine.
Molecular consequence: missense variant.
Genome position (GRCh38, 1-based): chr10:70,598,897, T>G on the plus strand (A>C on the coding strand, the complement: PRF1 is on the minus strand). VCF-style: chr10-70598897-T-G. GRCh37 (hg19) VCF-style: chr10-72358653-T-G.
Other names: c.824A>C, p.Glu275Ala (NM_005041.6); c.824A>C (NM_001083116.1); short protein forms E275A.
Identifiers: ClinVar variation 1432456 (VCV001432456.6), dbSNP rs763119215, ClinGen allele CA5538904.

ClinVar aggregate classification (germline): Uncertain significance. Review status: criteria provided, multiple submitters, no conflicts (2 of 4 stars). 2 submissions from 2 submitters: Uncertain significance (2). Last evaluated 2025-11-26.

Conditions:
Familial hemophagocytic lymphohistiocytosis 2 (FHL2). Also called: PRF1-Related Familial Hemophagocytic Lymphohistiocytosis (PRF1-fHLH). Identifiers: Orphanet 540, MedGen C1863727, MONDO:0011337, OMIM 603553.
Inborn genetic diseases. Identifiers: MedGen C0950123, MeSH D030342.

Allele frequency attached by ClinVar (database versions not stated): ExAC 0.00001; TOPMed 0.00002; gnomAD 0.00003 and 0.00004; gnomAD exomes 0.00003.
gnomAD v4.1: 49 of 1,614,140 alleles (0.003%); highest among the groups gnomAD compares: Admixed American, 0.0067%; no homozygotes.

Submissions (2):

Ambry Genetics
Classification: Uncertain significance for Inborn genetic diseases. Last evaluated: 2025-11-26. Review status: criteria provided, single submitter. Criteria: Ambry Variant Classification Scheme 2023. Collection method: clinical testing. Allele origin: germline.

Labcorp Genetics (formerly Invitae), Labcorp
Classification: Uncertain significance for Familial hemophagocytic lymphohistiocytosis 2. Last evaluated: 2024-12-10. Review status: criteria provided, single submitter. Criteria: Invitae Variant Classification Sherloc (09022015). Collection method: clinical testing. Allele origin: germline.
Comment: This sequence change replaces glutamic acid, which is acidic and polar, with alanine, which is neutral and non-polar, at codon 275 of the PRF1 protein (p.Glu275Ala). This variant is present in population databases (rs763119215, gnomAD 0.004%). This variant has not been reported in the literature in individuals affected with PRF1-related conditions. ClinVar contains an entry for this variant (Variation ID: 1432456). Invitae Evidence Modeling of protein sequence and biophysical properties (such as structural, functional, and spatial information, amino acid conservation, physicochemical variation, residue mobility, and thermodynamic stability) indicates that this missense variant is not expected to disrupt PRF1 protein function with a negative predictive value of 95%. In summary, the available evidence is currently insufficient to determine the role of this variant in disease. Therefore, it has been classified as a Variant of Uncertain Significance.